The following is an entry in ClinVar:

ClinVar aggregate classification (germline): Benign (1 of 4 stars; one submission).

Conditions:
Hennekam lymphangiectasia-lymphedema syndrome 1 (HKLLS1). Also called: LYMPHATIC DYSPLASIA, GENERALIZED. Identifiers: Orphanet 2136, MedGen C4012050, MONDO:0009337, OMIM 235510.

Allele frequency attached by ClinVar (database versions not stated): gnomAD 0.00384 and 0.00413; 1000 Genomes Project 30x 0.00390; TOPMed 0.00408; 1000 Genomes Project 0.00459.

Submission:

Illumina Laboratory Services, Illumina
Classification: Benign for Hennekam lymphangiectasia-lymphedema syndrome 1. Last evaluated: 2017-04-27. Review status: criteria provided, single submitter. Criteria: ICSL Variant Classification Criteria 13 December 2019. Collection method: clinical testing. Allele origin: germline.
Comment: This variant was observed as part of a predisposition screen in an ostensibly healthy population. A literature search was performed for the gene, cDNA change, and amino acid change (where applicable). No publications were found based on this search. Allele frequency data from public databases was too high to be consistent with this variant causing disease. Therefore, this variant is classified as benign.

NM_133459.4(CCBE1):c.*3777A>T

Gene: CCBE1 (collagen and calcium binding EGF domains 1; minus strand). Cytogenetic location: 18q21.32.
Variant type: single nucleotide variant.
Coding change: c.*3777A>T on transcript NM_133459.4 (MANE Select); 3777 bases downstream of the stop codon, A replaced by T.
Molecular consequence: 3 prime UTR variant.
Genome position (GRCh38, 1-based): chr18:59,432,131, T>A on the plus strand (A>T on the coding strand, the complement: CCBE1 is on the minus strand). VCF-style: chr18-59432131-T-A. GRCh37 (hg19) VCF-style: chr18-57099363-T-A.
Identifiers: ClinVar variation 890678 (VCV000890678.4), dbSNP rs184237348, ClinGen allele CA301037535.
Genomic context (GRCh38, chr18:59,432,131, plus strand): 5'-AGCTTCCCGAGTAGCTGAGACTACAGGCGTGCACCACCACGCCTGGCTAATTTTTTTTTT[T>A]ATTTATTTTAGTAGAGATGGGGTTTCACCACGTGTTGGTCAGGATGGTCTTGATCTCCTG-3'